The following is an entry in ClinVar:

NM_000218.3(KCNQ1):c.2013_*7del (p.Pro672fs)

Genes: KCNQ1 (potassium voltage-gated channel subfamily Q member 1; plus strand), KCNQ1-AS1 (KCNQ1 antisense RNA 1; minus strand). Cytogenetic location: 11p15.4.
Variant type: Deletion.
Coding change: c.2013_*7del on transcript NM_000218.3 (MANE Select); coding-DNA position 2013 through 7 bases downstream of the stop codon, 26 bases deleted (CCCCGATGAGGGGTCCTGAGGAGGGG).
Protein change: p.Pro672fs; shifts the reading frame from proline 672.
Molecular consequence: frameshift variant.
Genome position (GRCh38, 1-based): chr11:2,847,985-2,848,010, CCCCGATGAGGGGTCCTGAGGAGGGG deleted; deleting any 26 consecutive bases within chr11:2,847,977-2,848,010 gives the same sequence; the c. name uses the placement nearest the transcript's 3' end. VCF-style (leftmost placement, unchanged base first): chr11-2847976-CAGGAGGGGCCCCGATGAGGGGTCCTG-C. GRCh37 (hg19) VCF-style: chr11-2869206-CAGGAGGGGCCCCGATGAGGGGTCCTG-C.
Other names: c.1917_*7del26, p.Gly639_Ter(645_?)(?) (NM_001406836.1); c.1743_*7del26, p.Gly581_Ter(587_?)(?) (NM_001406837.1); c.1473_*7del26, p.Gly491_Ter(497_?)(?) (NM_001406838.1); c.525_*7del26, p.Gly175_Ter(181_?)(?) (NM_001406839.1); c.1632_*7del26, p.Gly544_Ter(550_?)(?) (NM_181798.2); short protein forms P672fs, P545fs.
Identifiers: ClinVar variation 1386284 (VCV001386284.10), dbSNP rs2134097591, ClinGen allele CA2573145951.

ClinVar aggregate classification (germline): Uncertain significance (1 of 4 stars; one submission).

Conditions:
Long QT syndrome (LQTS). Identifiers: MedGen C0023976, MeSH D008133, MONDO:0002442. Disease mechanism: loss of function. Inheritance: Various modes of inheritance.

Submission:

Labcorp Genetics (formerly Invitae), Labcorp
Classification: Uncertain significance for Long QT syndrome. Last evaluated: 2020-12-04. Review status: criteria provided, single submitter. Criteria: Invitae Variant Classification Sherloc (09022015). Collection method: clinical testing. Allele origin: germline.
Comment: In summary, the available evidence is currently insufficient to determine the role of this variant in disease. Therefore, it has been classified as a Variant of Uncertain Significance. Experimental studies and prediction algorithms are not available or were not evaluated, and the functional significance of this variant is currently unknown. This variant has been observed in individual(s) with clinical features of long QT syndrome (Invitae). The frequency data for this variant in the population databases is considered unreliable, as metrics indicate insufficient coverage at this position in the ExAC database. This variant results in the deletion of part of exon 16 (c.2013_*7del) of the KCNQ1 gene. While this is not anticipated to result in nonsense mediated decay, it is expected to disrupt the last 5 amino acid(s) of the KCNQ1 protein.